The following is an entry in ClinVar:

NM_001567.4(INPPL1):c.1922G>A (p.Arg641Gln)

Gene: INPPL1 (inositol polyphosphate phosphatase like 1; plus strand). Cytogenetic location: 11q13.4.
Variant type: single nucleotide variant.
Coding change: c.1922G>A on transcript NM_001567.4 (MANE Select); coding-DNA position 1922, G replaced by A.
Protein change: p.Arg641Gln; replaces arginine 641 with glutamine.
Molecular consequence: missense variant.
Genome position (GRCh38, 1-based): chr11:72,232,945, G>A. VCF-style: chr11-72232945-G-A. GRCh37 (hg19) VCF-style: chr11-71943989-G-A.
Other names: short protein forms R641Q.
Identifiers: ClinVar variation 3712719 (VCV003712719.2).

ClinVar aggregate classification (germline): Uncertain significance (1 of 4 stars; one submission).

Submission:

Labcorp Genetics (formerly Invitae), Labcorp
Classification: Uncertain significance. Last evaluated: 2024-11-13. Review status: criteria provided, single submitter. Criteria: Invitae Variant Classification Sherloc (09022015). Collection method: clinical testing. Allele origin: germline.
Comment: This sequence change replaces arginine, which is basic and polar, with glutamine, which is neutral and polar, at codon 641 of the INPPL1 protein (p.Arg641Gln). This variant is present in population databases (rs747018814, gnomAD 0.006%), including at least one homozygous and/or hemizygous individual. This variant has not been reported in the literature in individuals affected with INPPL1-related conditions. An algorithm developed to predict the effect of missense changes on protein structure and function (PolyPhen-2) suggests that this variant is likely to be disruptive. In summary, the available evidence is currently insufficient to determine the role of this variant in disease. Therefore, it has been classified as a Variant of Uncertain Significance.